The following is an entry in ClinVar:

ClinVar aggregate classification (germline): Pathogenic (1 of 4 stars; one submission).

Submission:

Labcorp Genetics (formerly Invitae), Labcorp
Classification: Pathogenic. Last evaluated: 2022-06-13. Review status: criteria provided, single submitter. Criteria: Invitae Variant Classification Sherloc (09022015). Collection method: clinical testing. Allele origin: germline.
Comment: This variant is a gross deletion of the genomic region encompassing exon(s) 15 of the CNGB3 gene. This deletion is out-of-frame, and is expected to create a premature termination codon and result in an absent or disrupted protein product. Loss-of-function variants in CNGB3 are known to be pathogenic (PMID: 28795510). A similar copy number variant has been observed in individual(s) with achromatopsia (PMID: 28795510). For these reasons, this variant has been classified as Pathogenic.

Literature cited by the submitters: PubMed 28795510.

NC_000008.11:g.(?_86604083)_(86604221_?)del

Gene: CNGB3 (cyclic nucleotide gated channel subunit beta 3; minus strand). Cytogenetic location: 8q21.3.
Variant type: Deletion.
Identifiers: ClinVar variation 830584 (VCV000830584.5).